The following is an entry in ClinVar:

NM_000393.5(COL5A2):c.94del (p.Asp32fs)

Gene: COL5A2 (collagen type V alpha 2 chain; minus strand). Cytogenetic location: 2q32.2.
Variant type: Deletion.
Coding change: c.94del on transcript NM_000393.5 (MANE Select); coding-DNA position 94, one base deleted (G; older notation c.94delG).
Protein change: p.Asp32fs; shifts the reading frame from aspartic acid 32.
Molecular consequence: frameshift variant.
Genome position (GRCh38, 1-based): chr2:189,179,511, C deleted on the plus strand (G on the coding strand, the reverse complement: COL5A2 is on the minus strand); the first of 2 consecutive C bases (chr2:189,179,511-189,179,512); deleting either gives the same sequence. VCF-style (leftmost placement, unchanged base first): chr2-189179510-TC-T. GRCh37 (hg19) VCF-style: chr2-190044236-TC-T.
Other names: short protein forms D32fs.
Identifiers: ClinVar variation 5043527 (VCV005043527.1).

ClinVar aggregate classification (germline): Pathogenic (1 of 4 stars; one submission).

Conditions:
Ehlers-Danlos syndrome, classic type, 2 (EDSCL2). Also called: Ehlers-Danlos syndrome, type 2; Ehlers-Danlos syndrome type 2 (formerly); Ehlers-Danlos Syndrome, Classic Type, COL5A2-Related. Identifiers: Orphanet 287, Orphanet 90318, MedGen C0268336, MONDO:0019568, OMIM 130010.

Submission:

Center for Human Genetics and Genomic Medicine, Uniklinik Rwth Aachen
Classification: Pathogenic for Ehlers-Danlos syndrome, classic type, 2. Last evaluated: 2026-11-23. Review status: criteria provided, single submitter. Criteria: ACMG Guidelines, 2015. Collection method: clinical testing. Allele origin: de novo. Inheritance: Autosomal dominant inheritance. Affected: yes. Observed: 1 variant allele, 1 heterozygote.
Comment: A truncating variant in a gene where LOF is a known mechanism of disease (PVS1). It is not present in large population studies (PM2_sup)